The following is an entry in ClinVar:

NM_003128.3(SPTBN1):c.6356+7C>T

Gene: SPTBN1 (spectrin beta, non-erythrocytic 1; plus strand). Cytogenetic location: 2p16.2.
Variant type: single nucleotide variant.
Coding change: c.6356+7C>T on transcript NM_003128.3 (MANE Select); 7 bases into the intron after coding-DNA position 6356, C replaced by T.
Molecular consequence: intron variant.
Genome position (GRCh38, 1-based): chr2:54,659,273, C>T. VCF-style: chr2-54659273-C-T. GRCh37 (hg19) VCF-style: chr2-54886410-C-T.
Other names: c.6317+7C>T (NM_178313.3).
Identifiers: ClinVar variation 4076219 (VCV004076219.3).

ClinVar aggregate classification (germline): Uncertain significance. Review status: criteria provided, multiple submitters, no conflicts (2 of 4 stars). 2 submissions from 2 submitters: Uncertain significance (2). Last evaluated 2025-11-21.

Conditions:
Developmental delay, impaired speech, and behavioral abnormalities. Identifiers: MedGen C5561957, MONDO:0859178, OMIM 619475.

gnomAD v4.1: 11 of 1,613,688 alleles (0.00068%); highest among the groups gnomAD compares: Non-Finnish European, 0.00093%; no homozygotes.

Submissions (2):

Dasa
Classification: Uncertain significance for developmental delay, impaired speech, and behavioral abnormalities. Last evaluated: 2025-11-21. Review status: criteria provided, single submitter. Criteria: DASA Assertion Criteria. Collection method: clinical testing. Allele origin: germline.
Comment: NM_003128.3(SPTBN1):c.6356+7C>T is a splice-region variant. This variant is rare in population databases. Computational prediction algorithms are consistent with a benign effect. The currently available literature and clinical evidence are not sufficient to establish a definitive association between this variant and the reported condition. Therefore, this variant is classified as a variant of uncertain significance.

Laboratorio de Genetica e Diagnostico Molecular, Hospital Israelita Albert Einstein
Classification: Uncertain significance for Developmental delay, impaired speech, and behavioral abnormalities. Last evaluated: 2024-07-01. Review status: criteria provided, single submitter. Criteria: ACMG Guidelines, 2015. Collection method: clinical testing. Allele origin: germline. Affected: yes.
Comment: ACMG classification criteria: PM2 supporting, BP4 supporting